The following is an entry in ClinVar:

NM_000384.3(APOB):c.8045G>A (p.Ser2682Asn)

Gene: APOB (apolipoprotein B; minus strand). Cytogenetic location: 2p24.1.
Variant type: single nucleotide variant.
Coding change: c.8045G>A on transcript NM_000384.3 (MANE Select); coding-DNA position 8045, G replaced by A.
Protein change: p.Ser2682Asn; replaces serine 2682 with asparagine.
Molecular consequence: missense variant.
Genome position (GRCh38, 1-based): chr2:21,008,823, C>T on the plus strand (G>A on the coding strand, the complement: APOB is on the minus strand). VCF-style: chr2-21008823-C-T. GRCh37 (hg19) VCF-style: chr2-21231695-C-T.
Other names: short protein forms S2682N.
Identifiers: ClinVar variation 3385387 (VCV003385387.2).
Genomic context (GRCh38, chr2:21,008,823, plus strand): 5'-GGAATGTCCTCCACCTTCAGATCCCTGAGATATATATCTGGAACGGGCCACTGCAGCTCA[C>T]TGTTCAGCATCTGGTCAATGGTTCTGATGATCTTTACTTTCATTTCTACAAAGTCAATTG-3'
Protein context (NP_000375.3, residues 2672-2692): IIRTIDQMLN[Ser2682Asn]ELQWPVPDIY

ClinVar aggregate classification (germline): Uncertain significance (1 of 4 stars; one submission).

Conditions:
Hypercholesterolemia, autosomal dominant, type B (FHCL2). Also called: Familial Hypercholesterolemia Type B; Hyperlipoproteinemia Type IIb; APOLIPOPROTEIN B-100, FAMILIAL DEFECTIVE; APOLIPOPROTEIN B-100, FAMILIAL LIGAND-DEFECTIVE; HYPERCHOLESTEROLEMIA, FAMILIAL, DUE TO LIGAND-DEFECTIVE APOLIPOPROTEIN B; Familial hypercholesterolemia 2. Identifiers: MedGen C1704417, MONDO:0007751, OMIM 144010.

Submission:

Institute of Human Genetics, University of Leipzig Medical Center
Classification: Uncertain significance for Hypercholesterolemia, autosomal dominant, type B. Last evaluated: 2024-11-13. Review status: criteria provided, single submitter. Criteria: ACMG Guidelines, 2015. Collection method: clinical testing. Allele origin: unknown. Inheritance: Autosomal dominant inheritance. Affected: yes.
Comment: Criteria applied: PM2_SUP,PP4